The following is an entry in ClinVar:

ClinVar aggregate classification (germline): Uncertain significance (1 of 4 stars; one submission).

Allele frequency attached by ClinVar (database versions not stated): gnomAD exomes 0.00001.
gnomAD v4.1: 3 of 1,614,256 alleles (0.00019%); highest among the groups gnomAD compares: South Asian, 0.0033%; no homozygotes.

Submission:

Labcorp Genetics (formerly Invitae), Labcorp
Classification: Uncertain significance. Last evaluated: 2022-11-08. Review status: criteria provided, single submitter. Criteria: Invitae Variant Classification Sherloc (09022015). Collection method: clinical testing. Allele origin: germline.
Comment: ClinVar contains an entry for this variant (Variation ID: 1496093). In summary, the available evidence is currently insufficient to determine the role of this variant in disease. Therefore, it has been classified as a Variant of Uncertain Significance. Advanced modeling of protein sequence and biophysical properties (such as structural, functional, and spatial information, amino acid conservation, physicochemical variation, residue mobility, and thermodynamic stability) performed at Invitae indicates that this missense variant is not expected to disrupt ACO2 protein function. This variant has not been reported in the literature in individuals affected with ACO2-related conditions. This variant is present in population databases (no rsID available, gnomAD 0.006%). This sequence change replaces alanine, which is neutral and non-polar, with serine, which is neutral and polar, at codon 119 of the ACO2 protein (p.Ala119Ser).

NM_001098.3(ACO2):c.355G>T (p.Ala119Ser)

Gene: ACO2 (aconitase 2; plus strand). Cytogenetic location: 22q13.2.
Variant type: single nucleotide variant.
Coding change: c.355G>T on transcript NM_001098.3 (MANE Select); coding-DNA position 355, G replaced by T.
Protein change: p.Ala119Ser; replaces alanine 119 with serine.
Molecular consequence: missense variant.
Genome position (GRCh38, 1-based): chr22:41,507,972, G>T. VCF-style: chr22-41507972-G-T. GRCh37 (hg19) VCF-style: chr22-41903976-G-T.
Other names: short protein forms A119S.
Identifiers: ClinVar variation 1496093 (VCV001496093.6), dbSNP rs1457873440, ClinGen allele CA411713734.
Genomic context (GRCh38, chr22:41,507,972, plus strand): 5'-CAGGATGCGACGGCCCAGATGGCCATGCTCCAGTTCATCAGCAGCGGGCTGTCCAAGGTG[G>T]CTGTGCCATCCACCATCCACTGTGACCATCTGATTGAAGCCCAGGTTGGGGGCGAGAAAG-3'
Protein context (NP_001089.1, residues 109-129): QFISSGLSKV[Ala119Ser]VPSTIHCDHL